The following is an entry in ClinVar:

ClinVar aggregate classification (germline): Likely benign. Review status: criteria provided, multiple submitters, no conflicts (2 of 4 stars). 2 submissions from 2 submitters: Likely benign (2). Last evaluated 2017-04-27.

Conditions:
Amyotrophic neuralgia (HNA). Also called: AMYOTROPHY, HEREDITARY NEURALGIC; Hereditary Brachial Plexus Neuropathy; Neuritis with Brachial Predilection; AMYOTROPHY, HEREDITARY NEURALGIC, WITH PREDILECTION FOR BRACHIAL PLEXUS. Identifiers: Orphanet 2901, MedGen C1834304, MONDO:0008076, OMIM 162100.

Allele frequency attached by ClinVar (database versions not stated): ExAC 0.00318; gnomAD 0.00664 and 0.00719; gnomAD exomes 0.01015 and 0.01935; TOPMed 0.01121; 1000 Genomes Project 0.01418; 1000 Genomes Project 30x 0.01421.
gnomAD v4.1: 4,892 of 536,218 alleles (0.91%); highest among the groups gnomAD compares: Admixed American, 7.1%; 200 homozygotes.

Submissions (2):

Illumina Laboratory Services, Illumina
Classification: Likely benign for Amyotrophy, hereditary neuralgic. Last evaluated: 2017-04-27. Review status: criteria provided, single submitter. Criteria: ICSL Variant Classification Criteria 13 December 2019. Collection method: clinical testing. Allele origin: germline.
Comment: This variant was observed as part of a predisposition screen in an ostensibly healthy population. A literature search was performed for the gene, cDNA change, and amino acid change (where applicable). No publications were found based on this search. Allele frequency data from public databases allowed determination this variant is unlikely to cause disease. Therefore, this variant is classified as likely benign.

Breakthrough Genomics
Classification: Likely benign. Review status: criteria provided, single submitter. Criteria: ACMG Guidelines, 2015. Collection method: not provided. Allele origin: germline. Inheritance: Autosomal dominant inheritance. Affected: yes.

NM_001113491.2(SEPTIN9):c.*479C>A

Gene: SEPTIN9 (septin 9; plus strand). Cytogenetic location: 17q25.3.
Variant type: single nucleotide variant.
Coding change: c.*479C>A on transcript NM_001113491.2 (MANE Select); 479 bases downstream of the stop codon, C replaced by A.
Molecular consequence: 3 prime UTR variant.
Genome position (GRCh38, 1-based): chr17:77,499,137, C>A. VCF-style: chr17-77499137-C-A. GRCh37 (hg19) VCF-style: chr17-75495219-C-A.
Other names: c.*479C>A (NM_001113492.2, NM_001113493.2, NM_001113494.1 and 7 more transcripts).
Identifiers: ClinVar variation 325589 (VCV000325589.6), dbSNP rs28364841, ClinGen allele CA8793988.